The following is an entry in ClinVar:

NM_182894.3(VSX2):c.589C>T (p.Gln197Ter)

Gene: VSX2 (visual system homeobox 2; plus strand). Cytogenetic location: 14q24.3.
Variant type: single nucleotide variant.
Coding change: c.589C>T on transcript NM_182894.3 (MANE Select); coding-DNA position 589, C replaced by T.
Protein change: p.Gln197Ter; replaces glutamine 197 with a stop codon.
Molecular consequence: nonsense.
Genome position (GRCh38, 1-based): chr14:74,259,611, C>T. VCF-style: chr14-74259611-C-T. GRCh37 (hg19) VCF-style: chr14-74726314-C-T.
Other names: c.589C>T (NM_182894.2); short protein forms Q197*.
Identifiers: ClinVar variation 1430257 (VCV001430257.7), dbSNP rs2139645825, ClinGen allele CA390369042.

ClinVar aggregate classification (germline): Pathogenic/Likely pathogenic. Review status: criteria provided, multiple submitters, no conflicts (2 of 4 stars). 2 submissions from 2 submitters: Pathogenic (1); Likely pathogenic (1). Last evaluated 2025-02-03.

Conditions:
Microphthalmia. Also called: Microphthalmos. Identifiers: MedGen C0026010, MONDO:0021129, HP:0000568.
Isolated microphthalmia 2. Identifiers: Orphanet 2542, MedGen C1864720, MONDO:0012409, OMIM 610093.

Submissions (2):

Natera, Inc.
Classification: Likely pathogenic for Microphthalmia. Last evaluated: 2025-02-03. Review status: criteria provided, single submitter. Criteria: Natera Variant Classification Schema (03/2026). Collection method: clinical testing. Allele origin: germline.
Comment: The c.589C>T variant in VSX2 is a nonsense variant predicted to introduce a stop codon at amino acid 197. This variant is expected to result in nonsense mediated decay, truncation, or a dysfunctional protein product. This variant is rare in the general population with a frequency below the threshold expected for the associated phenotype(s). Given the available evidence, this variant is classified as Likely Pathogenic.

Labcorp Genetics (formerly Invitae), Labcorp
Classification: Pathogenic for Isolated microphthalmia 2. Last evaluated: 2024-01-11. Review status: criteria provided, single submitter. Criteria: Invitae Variant Classification Sherloc (09022015). Collection method: clinical testing. Allele origin: germline.
Comment: This sequence change creates a premature translational stop signal (p.Gln197*) in the VSX2 gene. It is expected to result in an absent or disrupted protein product. Loss-of-function variants in VSX2 are known to be pathogenic (PMID: 20414678). This variant is not present in population databases (gnomAD no frequency). This variant has not been reported in the literature in individuals affected with VSX2-related conditions. ClinVar contains an entry for this variant (Variation ID: 1430257). For these reasons, this variant has been classified as Pathogenic.

Literature cited by the submitters: PubMed 20414678 (cited by Labcorp Genetics (formerly Invitae), Labcorp).